The following is an entry in ClinVar:

ClinVar aggregate classification (germline): Uncertain significance (1 of 4 stars; one submission).

Conditions:
Charcot-Marie-Tooth disease type 4. Also called: Charcot-Marie-Tooth disease, type IV; Charcot-Marie-Tooth, Type 4. Identifiers: Orphanet 64749, MedGen C4082197, MONDO:0018995.

Submission:

Labcorp Genetics (formerly Invitae), Labcorp
Classification: Uncertain significance for Charcot-Marie-Tooth disease type 4. Last evaluated: 2019-08-24. Review status: criteria provided, single submitter. Criteria: Invitae Variant Classification Sherloc (09022015). Collection method: clinical testing. Allele origin: germline.
Comment: In summary, the available evidence is currently insufficient to determine the role of this variant in disease. Therefore, it has been classified as a Variant of Uncertain Significance. Algorithms developed to predict the effect of missense changes on protein structure and function output the following: SIFT: "Deleterious"; PolyPhen-2: "Benign"; Align-GVGD: "Class C45". The glutamine amino acid residue is found in multiple mammalian species, suggesting that this missense change does not adversely affect protein function. These predictions have not been confirmed by published functional studies and their clinical significance is uncertain. This variant has not been reported in the literature in individuals with FGD4-related conditions. This variant is not present in population databases (ExAC no frequency). This sequence change replaces lysine with glutamine at codon 477 of the FGD4 protein (p.Lys477Gln). The lysine residue is highly conserved and there is a small physicochemical difference between lysine and glutamine.

NM_001370298.3(FGD4):c.1840A>C (p.Lys614Gln)

Gene: FGD4 (FYVE, RhoGEF and PH domain containing 4; plus strand). Cytogenetic location: 12p11.21.
Variant type: single nucleotide variant.
Coding change: c.1840A>C on transcript NM_001370298.3 (MANE Select); coding-DNA position 1840, A replaced by C.
Protein change: p.Lys614Gln; replaces lysine 614 with glutamine.
Molecular consequence: missense variant.
Genome position (GRCh38, 1-based): chr12:32,619,788, A>C. VCF-style: chr12-32619788-A-C. GRCh37 (hg19) VCF-style: chr12-32772722-A-C.
Other names: c.1684A>C, p.Lys562Gln (NM_001304481.2); c.685A>C, p.Lys229Gln (NM_001304483.2); c.397A>C, p.Lys133Gln (NM_001304484.2); c.1150A>C, p.Lys384Gln (NM_001330373.2, NM_001330374.2, NM_001384130.1); c.877A>C, p.Lys293Gln (NM_001370297.1); c.1840A>C, p.Lys614Gln (NM_001384126.1); c.1429A>C, p.Lys477Gln (NM_001384127.1, NM_001384128.1, NM_001385118.1 and 1 more transcripts); short protein forms K562Q, K133Q, K293Q, K477Q, K229Q, K384Q, K614Q.
Identifiers: ClinVar variation 937312 (VCV000937312.9), dbSNP rs1949689887, ClinGen allele CA384364448.